The following is an entry in ClinVar:

NM_001377.3(DYNC2H1):c.4968+18G>A

Gene: DYNC2H1 (dynein cytoplasmic 2 heavy chain 1; plus strand). Cytogenetic location: 11q22.3.
Variant type: single nucleotide variant.
Coding change: c.4968+18G>A on transcript NM_001377.3 (MANE Select); 18 bases into the intron after coding-DNA position 4968, G replaced by A.
Molecular consequence: intron variant.
Genome position (GRCh38, 1-based): chr11:103,168,978, G>A. VCF-style: chr11-103168978-G-A. GRCh37 (hg19) VCF-style: chr11-103039707-G-A.
Other names: c.4968+18G>A (NM_001080463.2).
Identifiers: ClinVar variation 516226 (VCV000516226.24), dbSNP rs144263658, ClinGen allele CA6253666.

ClinVar aggregate classification (germline): Benign. Review status: criteria provided, multiple submitters, no conflicts (2 of 4 stars). 6 submissions from 6 submitters: Benign (4). 2 of the submissions do not count toward it. Last evaluated 2026-02-02.

Conditions:
Jeune thoracic dystrophy. Also called: Short-rib thoracic dysplasia; Jeune syndrome; Infantile thoracic dystrophy; Thoracic pelvic phalangeal dystrophy; Jeune's syndrome; Chondroectodermal dysplasia-like syndrome. Identifiers: Orphanet 474, MedGen C0265275, MONDO:0018770.
Asphyxiating thoracic dystrophy 3. Also called: Saldino-Noonan Syndrome; SHORT-RIB THORACIC DYSPLASIA 3/6 WITH POLYDACTYLY, DIGENIC; Short rib polydactyly syndrome 2B; POLYDACTYLY WITH NEONATAL CHONDRODYSTROPHY, TYPE I; SHORT-RIB THORACIC DYSPLASIA 3 WITH OR WITHOUT POLYDACTYLY. Identifiers: Orphanet 474, Orphanet 93269, Orphanet 93270, Orphanet 93271, MedGen C0036069, MONDO:0013127, OMIM 613091.

Allele frequency attached by ClinVar (database versions not stated): 1000 Genomes Project 0.00399; 1000 Genomes Project 30x 0.00406; TOPMed 0.00808; gnomAD 0.00868 and 0.00894; gnomAD exomes 0.00941 and 0.01369; ESP Exome Variant Server 0.00947; ExAC 0.01038.
gnomAD v4.1: 20,227 of 1,540,392 alleles (1.3%); highest among the groups gnomAD compares: Non-Finnish European, 1.6%; 148 homozygotes.

Submissions (6):

Labcorp Genetics (formerly Invitae), Labcorp
Classification: Benign for Jeune thoracic dystrophy. Last evaluated: 2026-02-02. Review status: criteria provided, single submitter. Criteria: Invitae Variant Classification Sherloc (09022015). Collection method: clinical testing. Allele origin: germline.

ARUP Laboratories, Molecular Genetics and Genomics, ARUP Laboratories
Classification: Benign for Asphyxiating thoracic dystrophy 3. Last evaluated: 2025-02-18. Review status: criteria provided, single submitter. Criteria: ARUP Molecular Germline Variant Investigation Process 2024. Collection method: clinical testing. Allele origin: germline.

GeneDx
Classification: Benign. Last evaluated: 2017-03-02. Review status: criteria provided, single submitter. Criteria: GeneDx Variant Classification (06012015). Collection method: clinical testing. Allele origin: germline. Affected: yes.
Comment: This variant is considered likely benign or benign based on one or more of the following criteria: it is a conservative change, it occurs at a poorly conserved position in the protein, it is predicted to be benign by multiple in silico algorithms, and/or has population frequency not consistent with disease.

Breakthrough Genomics
Classification: Benign. Review status: criteria provided, single submitter. Criteria: ACMG Guidelines, 2015. Collection method: not provided. Allele origin: germline. Inheritance: Autosomal recessive inheritance. Affected: yes.

Clinical Genetics DNA and cytogenetics Diagnostics Lab, Erasmus MC, Erasmus Medical Center
Classification: Likely benign. Review status: no assertion criteria provided. Collection method: clinical testing. Allele origin: germline. Affected: yes. Study: VKGL Data-share Consensus. Not counted in ClinVar's aggregate classification.

Joint Genome Diagnostic Labs from Nijmegen and Maastricht, Radboudumc and MUMC+
Classification: Benign. Review status: no assertion criteria provided. Collection method: clinical testing. Allele origin: germline. Affected: yes. Study: VKGL Data-share Consensus. Not counted in ClinVar's aggregate classification.